The following is an entry in ClinVar:

NM_006949.4(STXBP2):c.1696+28G>C

Gene: STXBP2 (syntaxin binding protein 2; plus strand). Cytogenetic location: 19p13.2.
Variant type: single nucleotide variant.
Coding change: c.1696+28G>C on transcript NM_006949.4 (MANE Select); 28 bases into the intron after coding-DNA position 1696, G replaced by C.
Molecular consequence: intron variant.
Genome position (GRCh38, 1-based): chr19:7,647,539, G>C. VCF-style: chr19-7647539-G-C. GRCh37 (hg19) VCF-style: chr19-7712425-G-C.
Other names: c.1729+28G>C (NM_001272034.2); c.1687+28G>C (NM_001127396.3).
Identifiers: ClinVar variation 260100 (VCV000260100.8), dbSNP rs34976997, ClinGen allele CA9144298.
Genomic context (GRCh38, chr19:7,647,539, plus strand): 5'-GGGCCACCGAGGGCAAGTGGGAGGTGCTCATTGGTAAGTCACCAGGACTGGGACCCTGGG[G>C]TCTGGGGCTTGGGTTCCCGGGGCCTGGGCTTGTACCTTCTAGGTGTCTGGACTCCAGAGT-3'

ClinVar aggregate classification (germline): Benign. Review status: criteria provided, multiple submitters, no conflicts (2 of 4 stars). 5 submissions from 5 submitters: Benign (5). Last evaluated 2023-11-12.

Conditions:
Familial hemophagocytic lymphohistiocytosis 5. Also called: STXBP2-Related Familial Hemophagocytic Lymphohistiocytosis (STXBP2-fHLH). Identifiers: Orphanet 540, MedGen C2751293, MONDO:0013135, OMIM 613101.

Allele frequency attached by ClinVar (database versions not stated): 1000 Genomes Project 0.31569; 1000 Genomes Project 30x 0.31636; TOPMed 0.33502; ESP Exome Variant Server 0.34413; gnomAD 0.34699 and 0.34997; ExAC 0.35822.
gnomAD v4.1: 547,064 of 1,573,874 alleles (35%); highest among the groups gnomAD compares: Admixed American, 36%; 96,029 homozygotes.

Submissions (5):

Unidad de Genómica Garrahan, Hospital de Pediatría Garrahan
Classification: Benign. Last evaluated: 2023-11-12. Review status: criteria provided, single submitter. Criteria: ACMG Guidelines, 2015. Collection method: clinical testing. Allele origin: germline. Affected: no. Observed: 46 variant alleles.
Comment: This variant is classified as Benign based on local population frequency. This variant was detected in 48% of patients studied by a panel of primary immunodeficiencies. Number of patients: 46. Only high quality variants are reported.

Genome-Nilou Lab
Classification: Benign for Familial hemophagocytic lymphohistiocytosis 5. Last evaluated: 2021-07-15. Review status: criteria provided, single submitter. Criteria: ACMG Guidelines, 2015. Collection method: clinical testing. Allele origin: germline. Affected: no.

GeneDx
Classification: Benign. Last evaluated: 2021-06-19. Review status: criteria provided, single submitter. Criteria: GeneDx Variant Classification Process June 2021. Collection method: clinical testing. Allele origin: germline. Affected: yes.

Breakthrough Genomics
Classification: Benign. Review status: criteria provided, single submitter. Criteria: ACMG Guidelines, 2015. Collection method: not provided. Allele origin: germline. Inheritance: Autosomal recessive inheritance. Affected: yes.

PreventionGenetics, part of Exact Sciences
Classification: Benign. Review status: criteria provided, single submitter. Criteria: ACMG Guidelines, 2015. Collection method: clinical testing. Allele origin: germline.